The following is an entry in ClinVar:

ClinVar aggregate classification (germline): Uncertain significance (1 of 4 stars; one submission).

Allele frequency attached by ClinVar (database versions not stated): gnomAD 0.00001; TOPMed 0.00002.
gnomAD v4.1: 5 of 1,614,034 alleles (0.00031%); highest among the groups gnomAD compares: African/African-American, 0.0027%; no homozygotes.

Submission:

Labcorp Genetics (formerly Invitae), Labcorp
Classification: Uncertain significance. Last evaluated: 2024-11-04. Review status: criteria provided, single submitter. Criteria: Invitae Variant Classification Sherloc (09022015). Collection method: clinical testing. Allele origin: germline.
Comment: This sequence change replaces alanine, which is neutral and non-polar, with threonine, which is neutral and polar, at codon 47 of the POLR1A protein (p.Ala47Thr). This variant is present in population databases (rs763017681, gnomAD 0.008%). This variant has not been reported in the literature in individuals affected with POLR1A-related conditions. ClinVar contains an entry for this variant (Variation ID: 1962186). Invitae Evidence Modeling of protein sequence and biophysical properties (such as structural, functional, and spatial information, amino acid conservation, physicochemical variation, residue mobility, and thermodynamic stability) indicates that this missense variant is not expected to disrupt POLR1A protein function with a negative predictive value of 80%. In summary, the available evidence is currently insufficient to determine the role of this variant in disease. Therefore, it has been classified as a Variant of Uncertain Significance.

NM_015425.6(POLR1A):c.139G>A (p.Ala47Thr)

Gene: POLR1A (RNA polymerase I subunit A; minus strand). Cytogenetic location: 2p11.2.
Variant type: single nucleotide variant.
Coding change: c.139G>A on transcript NM_015425.6 (MANE Select); coding-DNA position 139, G replaced by A.
Protein change: p.Ala47Thr; replaces alanine 47 with threonine.
Molecular consequence: missense variant.
Genome position (GRCh38, 1-based): chr2:86,100,111, C>T on the plus strand (G>A on the coding strand, the complement: POLR1A is on the minus strand). VCF-style: chr2-86100111-C-T. GRCh37 (hg19) VCF-style: chr2-86327234-C-T.
Other names: short protein forms A47T.
Identifiers: ClinVar variation 1962186 (VCV001962186.5), dbSNP rs763017681, ClinGen allele CA1746725.